The following is an entry in ClinVar:

ClinVar aggregate classification (germline): Conflicting classifications of pathogenicity. Review status: criteria provided, conflicting classifications (1 of 4 stars). 2 submissions from 2 submitters: Uncertain significance (1); Likely benign (1). Last evaluated 2025-03-07.

Conditions:
Inborn genetic diseases. Identifiers: MedGen C0950123, MeSH D030342.

gnomAD v4.1: 40 of 1,613,498 alleles (0.0025%); highest among the groups gnomAD compares: South Asian, 0.0033%; no homozygotes.

Submissions (2):

Ambry Genetics
Classification: Likely benign for Inborn genetic diseases. Last evaluated: 2025-03-07. Review status: criteria provided, single submitter. Criteria: Ambry Variant Classification Scheme 2023. Collection method: clinical testing. Allele origin: germline.

Mayo Clinic Laboratories, Mayo Clinic
Classification: Uncertain significance. Last evaluated: 2025-02-26. Review status: criteria provided, single submitter. Criteria: ACMG Guidelines, 2015. Collection method: clinical testing. Allele origin: germline. Observed: 1 variant allele.
Comment: BP4, PM2_supporting

NM_152328.5(ADSS1):c.1288A>G (p.Ile430Val)

Gene: ADSS1 (adenylosuccinate synthase 1; plus strand). Cytogenetic location: 14q32.33.
Variant type: single nucleotide variant.
Coding change: c.1288A>G on transcript NM_152328.5 (MANE Select); coding-DNA position 1288, A replaced by G.
Protein change: p.Ile430Val; replaces isoleucine 430 with valine.
Molecular consequence: missense variant.
Genome position (GRCh38, 1-based): chr14:104,746,352, A>G. VCF-style: chr14-104746352-A-G. GRCh37 (hg19) VCF-style: chr14-105212689-A-G.
Other names: p.Ile473Val; c.673A>G, p.Ile225Val (NM_001320424.1); c.1417A>G, p.Ile473Val (NM_199165.2); short protein forms I225V, I473V, I430V.
Identifiers: ClinVar variation 3839457 (VCV003839457.2).
Genomic context (GRCh38, chr14:104,746,352, plus strand): 5'-AAAGCAGACACCACAGGCGCCAGGAGGTGGGAGGACCTGCCCCCACAGGCCCAGAACTAC[A>G]TCCGCTTTGTGGAGAATCACGTGGGAGTCGCAGGTGGGTGCCCTGCATCCCCAGCCACCC-3'
Protein context (NP_689541.1, residues 420-440): EDLPPQAQNY[Ile430Val]RFVENHVGVA